The following is an entry in ClinVar:

ClinVar aggregate classification (germline): Conflicting classifications of pathogenicity. Review status: criteria provided, conflicting classifications (1 of 4 stars). 4 submissions from 3 submitters: Uncertain significance (3); Likely benign (1). Last evaluated 2024-07-04.

Conditions:
LAMB2-related disorder. Also called: LAMB2-related condition.
LAMB2-related infantile-onset nephrotic syndrome. Also called: NEPHROTIC SYNDROME, TYPE 5, WITHOUT OCULAR ABNORMALITIES; NEPHROTIC SYNDROME, TYPE 5, WITH OCULAR ABNORMALITIES; Nephrotic Syndrome, type 5. Identifiers: Orphanet 306507, MedGen C3280113, MONDO:0013621, OMIM 614199.
Pierson syndrome. Also called: MICROCORIA-CONGENITAL NEPHROTIC SYNDROME. Identifiers: Orphanet 2670, MedGen C1836876, MONDO:0012184, OMIM 609049.

Allele frequency attached by ClinVar (database versions not stated): gnomAD 0.00004 and 0.00005; TOPMed 0.00009; gnomAD exomes 0.00011; ExAC 0.00013; 1000 Genomes Project 30x 0.00031; 1000 Genomes Project 0.00040.
gnomAD v4.1: 111 of 1,613,866 alleles (0.0069%); highest among the groups gnomAD compares: East Asian, 0.12%; 2 homozygotes.

Submissions (4):

Labcorp Genetics (formerly Invitae), Labcorp
Classification: Likely benign for LAMB2-related infantile-onset nephrotic syndrome; Pierson syndrome. Last evaluated: 2024-07-04. Review status: criteria provided, single submitter. Criteria: Invitae Variant Classification Sherloc (09022015). Collection method: clinical testing. Allele origin: germline.

PreventionGenetics, part of Exact Sciences
Classification: Uncertain significance for LAMB2-related condition. Last evaluated: 2023-02-09. Review status: criteria provided, single submitter. Criteria: ACMG Guidelines, 2015. Collection method: clinical testing. Allele origin: germline.
Comment: The LAMB2 c.1391G>A variant is predicted to result in the amino acid substitution p.Arg464His. This variant was reported in the compound heterozygous state in an individual with steroid resistant nephrotic syndrome (Zhang et al 2017. PubMed ID: 27925579). This variant is reported in 0.11% of alleles in individuals of East Asian descent in gnomAD, including 1 homozygote. At this time, the clinical significance of this variant is uncertain due to the absence of conclusive functional and genetic evidence.

Illumina Laboratory Services, Illumina
Classification: Uncertain significance for LAMB2-related infantile-onset nephrotic syndrome. Last evaluated: 2017-04-28. Review status: criteria provided, single submitter. Criteria: ICSL Variant Classification Criteria 13 December 2019. Collection method: clinical testing. Allele origin: germline.

Illumina Laboratory Services, Illumina
Classification: Uncertain significance for Pierson syndrome. Last evaluated: 2017-04-28. Review status: criteria provided, single submitter. Criteria: ICSL Variant Classification Criteria 13 December 2019. Collection method: clinical testing. Allele origin: germline.

NM_002292.4(LAMB2):c.1391G>A (p.Arg464His)

Gene: LAMB2 (laminin subunit beta 2; minus strand). Cytogenetic location: 3p21.31.
Variant type: single nucleotide variant.
Coding change: c.1391G>A on transcript NM_002292.4 (MANE Select); coding-DNA position 1391, G replaced by A.
Protein change: p.Arg464His; replaces arginine 464 with histidine.
Molecular consequence: missense variant.
Genome position (GRCh38, 1-based): chr3:49,129,853, C>T on the plus strand (G>A on the coding strand, the complement: LAMB2 is on the minus strand). VCF-style: chr3-49129853-C-T. GRCh37 (hg19) VCF-style: chr3-49167286-C-T.
Other names: short protein forms R464H.
Identifiers: ClinVar variation 717717 (VCV000717717.13), dbSNP rs188487818, ClinGen allele CA2394619.